The following is an entry in ClinVar:

ClinVar aggregate classification (germline): Uncertain significance. Review status: criteria provided, multiple submitters, no conflicts (2 of 4 stars). 2 submissions from 2 submitters: Uncertain significance (2). Last evaluated 2025-10-15.

Conditions:
Granulomatous disease, chronic, autosomal recessive, cytochrome b-positive, type 3. Also called: Granulomatous disease, chronic, autosomal recessive, cytochrome b-positive, type III; GRANULOMATOUS DISEASE, CHRONIC, AUTOSOMAL RECESSIVE, 3; CGD, AUTOSOMAL RECESSIVE CYTOCHROME b-POSITIVE, TYPE III; GRANULOMATOUS DISEASE, CHRONIC, DUE TO NCF4 DEFICIENCY. Identifiers: Orphanet 379, MedGen C3151409, MONDO:0013507, OMIM 613960.

Allele frequency attached by ClinVar (database versions not stated): gnomAD 0.00001; gnomAD exomes 0.00002 and 0.00006; TOPMed 0.00005; ExAC 0.00024.
gnomAD v4.1: 35 of 1,571,048 alleles (0.0022%); highest among the groups gnomAD compares: South Asian, 0.011%; no homozygotes.

Submissions (2):

Ambry Genetics
Classification: Uncertain significance. Last evaluated: 2025-10-15. Review status: criteria provided, single submitter. Criteria: Ambry Variant Classification Scheme 2023. Collection method: clinical testing. Allele origin: germline.

Labcorp Genetics (formerly Invitae), Labcorp
Classification: Uncertain significance for Granulomatous disease, chronic, autosomal recessive, cytochrome b-positive, type 3. Last evaluated: 2024-11-05. Review status: criteria provided, single submitter. Criteria: Invitae Variant Classification Sherloc (09022015). Collection method: clinical testing. Allele origin: germline.
Comment: This sequence change replaces valine, which is neutral and non-polar, with isoleucine, which is neutral and non-polar, at codon 167 of the NCF4 protein (p.Val167Ile). The frequency data for this variant in the population databases is considered unreliable, as metrics indicate poor data quality at this position in the gnomAD database. This variant has not been reported in the literature in individuals affected with NCF4-related conditions. ClinVar contains an entry for this variant (Variation ID: 837549). An algorithm developed to predict the effect of missense changes on protein structure and function outputs the following: PolyPhen-2: "Benign". The isoleucine amino acid residue is found in multiple mammalian species, which suggests that this missense change does not adversely affect protein function. In summary, the available evidence is currently insufficient to determine the role of this variant in disease. Therefore, it has been classified as a Variant of Uncertain Significance.

NM_000631.5(NCF4):c.499G>A (p.Val167Ile)

Gene: NCF4 (neutrophil cytosolic factor 4; plus strand). Cytogenetic location: 22q12.3.
Variant type: single nucleotide variant.
Coding change: c.499G>A on transcript NM_000631.5 (MANE Select); coding-DNA position 499, G replaced by A.
Protein change: p.Val167Ile; replaces valine 167 with isoleucine.
Molecular consequence: missense variant.
Genome position (GRCh38, 1-based): chr22:36,871,680, G>A. VCF-style: chr22-36871680-G-A. GRCh37 (hg19) VCF-style: chr22-37267722-G-A.
Other names: c.499G>A, p.Val167Ile (NM_013416.4); short protein forms V167I.
Identifiers: ClinVar variation 837549 (VCV000837549.10), dbSNP rs745490664, ClinGen allele CA10213029.
Genomic context (GRCh38, chr22:36,871,680, plus strand): 5'-AGGGCTAACAAGCCCCTCTTCTCTCTCCACAGCAAGAGCGTGTCCCCACAGGGCAACAGC[G>A]TTGACCGCATGGCAGCTCCGAGAGCAGAGGTAACCCCCGCCCCCACGCTGGCCAGGCTCT-3'
Protein context (NP_000622.2, residues 157-177): VKSVSPQGNS[Val167Ile]DRMAAPRAEA